The following is an entry in ClinVar:

ClinVar aggregate classification (germline): Likely pathogenic (1 of 4 stars; one submission).

Conditions:
Severe early-childhood-onset retinal dystrophy (STGD1). Also called: Stargardt macular dystrophy; Juvenile onset macular degeneration; Stargardt disease 1; MACULAR DYSTROPHY WITH FLECKS, TYPE 1; STGD. Identifiers: Orphanet 364055, Orphanet 827, MedGen C1855465, MeSH D000080362, MONDO:0009549, OMIM 248200.

Submission:

Lupski Lab, Baylor-Hopkins CMG, Baylor College of Medicine
Classification: Likely pathogenic for Severe early-childhood-onset retinal dystrophy. Review status: criteria provided, single submitter. Criteria: Lee et al. (Hum Genet 2016). Collection method: research. Allele origin: germline. Inheritance: Autosomal recessive inheritance. Affected: yes and no. Observed: 1 heterozygote, 4 compound heterozygotes.
Comment: identified in compound heterozygous state in affected individual/s with macular isease

NM_000350.2(ABCA4):c.[302+68C>T;4539+2028C>T]

Variant type: Haplotype.
Identifiers: ClinVar variation 225694 (VCV000225694.1).